The following is an entry in ClinVar:

ClinVar aggregate classification (germline): Uncertain significance (1 of 4 stars; one submission).

Submission:

GeneDx
Classification: Uncertain significance. Last evaluated: 2024-02-29. Review status: criteria provided, single submitter. Criteria: GeneDx Variant Classification Process June 2021. Collection method: clinical testing. Allele origin: germline. Affected: yes.
Comment: Not observed at significant frequency in large population cohorts (gnomAD); In silico analysis supports that this missense variant has a deleterious effect on protein structure/function; Has not been previously published as pathogenic or benign to our knowledge

NM_002609.4(PDGFRB):c.2546G>T (p.Arg849Leu)

Gene: PDGFRB (platelet derived growth factor receptor beta; minus strand). Cytogenetic location: 5q32.
Variant type: single nucleotide variant.
Coding change: c.2546G>T on transcript NM_002609.4 (MANE Select); coding-DNA position 2546, G replaced by T.
Protein change: p.Arg849Leu; replaces arginine 849 with leucine.
Molecular consequence: missense variant.
Genome position (GRCh38, 1-based): chr5:150,120,928, C>A on the plus strand (G>T on the coding strand, the complement: PDGFRB is on the minus strand). VCF-style: chr5-150120928-C-A. GRCh37 (hg19) VCF-style: chr5-149500491-C-A.
Other names: c.2354G>T, p.Arg785Leu (NM_001355016.2); c.2063G>T, p.Arg688Leu (NM_001355017.2); short protein forms R688L, R785L, R849L.
Identifiers: ClinVar variation 3373572 (VCV003373572.1).